The following is an entry in ClinVar:

ClinVar aggregate classification (germline): Uncertain significance. Review status: criteria provided, multiple submitters, no conflicts (2 of 4 stars). 2 submissions from 2 submitters: Uncertain significance (2). Last evaluated 2026-01-12.

Conditions:
Methylmalonic acidemia due to transcobalamin receptor defect (MATR). Also called: METHYLMALONIC ACIDEMIA, TCblR TYPE; METHYLMALONIC ACIDURIA, TRANSIENT, DUE TO TRANSCOBALAMIN RECEPTOR DEFECT. Identifiers: Orphanet 280183, MedGen C4749905, MONDO:0013341, OMIM 613646.

Allele frequency attached by ClinVar (database versions not stated): ESP Exome Variant Server 0.00015; 1000 Genomes Project 0.00020; gnomAD 0.00024 and 0.00026; TOPMed 0.00026; gnomAD exomes 0.00028; 1000 Genomes Project 30x 0.00031; ExAC 0.00046.

Submissions (2):

Labcorp Genetics (formerly Invitae), Labcorp
Classification: Uncertain significance for Methylmalonic acidemia due to transcobalamin receptor defect. Last evaluated: 2026-01-12. Review status: criteria provided, single submitter. Criteria: Invitae Variant Classification Sherloc (09022015). Collection method: clinical testing. Allele origin: germline.
Comment: This sequence change replaces aspartic acid, which is acidic and polar, with asparagine, which is neutral and polar, at codon 160 of the CD320 protein (p.Asp160Asn). This variant is present in population databases (rs188158114, gnomAD 0.08%), and has an allele count higher than expected for a pathogenic variant. This variant has not been reported in the literature in individuals affected with CD320-related conditions. ClinVar contains an entry for this variant (Variation ID: 664765). An algorithm developed to predict the effect of missense changes on protein structure and function (PolyPhen-2) suggests that this variant is likely to be disruptive. In summary, the available evidence is currently insufficient to determine the role of this variant in disease. Therefore, it has been classified as a Variant of Uncertain Significance.

Ambry Genetics
Classification: Uncertain significance. Last evaluated: 2025-06-06. Review status: criteria provided, single submitter. Criteria: Ambry Variant Classification Scheme 2023. Collection method: clinical testing. Allele origin: germline.

NM_016579.4(CD320):c.478G>A (p.Asp160Asn)

Gene: CD320 (CD320 molecule; minus strand). Cytogenetic location: 19p13.2.
Variant type: single nucleotide variant.
Coding change: c.478G>A on transcript NM_016579.4 (MANE Select); coding-DNA position 478, G replaced by A.
Protein change: p.Asp160Asn; replaces aspartic acid 160 with asparagine.
Molecular consequence: missense variant.
Genome position (GRCh38, 1-based): chr19:8,303,879, C>T on the plus strand (G>A on the coding strand, the complement: CD320 is on the minus strand). VCF-style: chr19-8303879-C-T. GRCh37 (hg19) VCF-style: chr19-8368763-C-T.
Other names: c.352G>A, p.Asp118Asn (NM_001165895.2); short protein forms D118N, D160N.
Identifiers: ClinVar variation 664765 (VCV000664765.13), dbSNP rs188158114, ClinGen allele CA9154727.